The following is an entry in ClinVar:

NM_002769.5(PRSS1):c.349G>A (p.Ala117Thr)

Genes: PRSS1 (serine protease 1; plus strand), TRB (T cell receptor beta locus; plus strand). Cytogenetic location: 7q34.
Variant type: single nucleotide variant.
Coding change: c.349G>A on transcript NM_002769.5 (MANE Select); coding-DNA position 349, G replaced by A.
Protein change: p.Ala117Thr; replaces alanine 117 with threonine.
Molecular consequence: missense variant. On other transcripts: non-coding transcript variant (4).
Genome position (GRCh38, 1-based): chr7:142,751,922, G>A. VCF-style: chr7-142751922-G-A. GRCh37 (hg19) VCF-style: chr7-142459773-G-A.
Other names: short protein forms A117T.
Identifiers: ClinVar variation 1732026 (VCV001732026.3), dbSNP rs1454337017, ClinGen allele CA369608885.

ClinVar aggregate classification (germline): Uncertain significance (1 of 4 stars; one submission).

Conditions:
Hereditary pancreatitis (PCTT). Also called: Hereditary chronic pancreatitis; PRSS1-Related Hereditary Pancreatitis. Identifiers: Orphanet 676, MedGen C0238339, MONDO:0008185, OMIM 167800.

Allele frequency attached by ClinVar (database versions not stated): TOPMed below 0.00001; gnomAD 0.00001.
gnomAD v4.1: 3 of 1,613,906 alleles (0.00019%); highest among the groups gnomAD compares: Non-Finnish European, 0.00025%; no homozygotes.

Submission:

Ambry Genetics
Classification: Uncertain significance for Hereditary pancreatitis. Last evaluated: 2024-06-12. Review status: criteria provided, single submitter. Criteria: Ambry Variant Classification Scheme 2023. Collection method: clinical testing. Allele origin: germline.
Comment: The p.A117T variant (also known as c.349G>A), located in coding exon 3 of the PRSS1 gene, results from a G to A substitution at nucleotide position 349. The alanine at codon 117 is replaced by threonine, an amino acid with similar properties. This amino acid position is conserved. In addition, this alteration is predicted to be deleterious by in silico analysis. Since supporting evidence is limited at this time, the clinical significance of this alteration remains unclear.